The following is an entry in ClinVar:

ClinVar aggregate classification (germline): Pathogenic/Likely pathogenic. Review status: criteria provided, multiple submitters, no conflicts (2 of 4 stars). 2 submissions from 2 submitters: Pathogenic (1); Likely pathogenic (1). Last evaluated 2025-09-06.

Conditions:
Retinitis pigmentosa 1 (RP1). Identifiers: Orphanet 791, MedGen C0220701, MONDO:0008377, OMIM 180100.

Submissions (2):

Labcorp Genetics (formerly Invitae), Labcorp
Classification: Pathogenic. Last evaluated: 2025-09-06. Review status: criteria provided, single submitter. Criteria: Invitae Variant Classification Sherloc (09022015). Collection method: clinical testing. Allele origin: germline.
Comment: This sequence change creates a premature translational stop signal (p.Lys673Glufs*25) in the RP1 gene. While this is not anticipated to result in nonsense mediated decay, it is expected to disrupt the last 1484 amino acid(s) of the RP1 protein. This variant is not present in population databases (gnomAD no frequency). This variant has not been reported in the literature in individuals affected with RP1-related conditions. ClinVar contains an entry for this variant (Variation ID: 1333517). This variant disrupts the C-terminus of the RP1 protein. Many variants that disrupt this region have been reported in individuals with either autosomal dominant or autosomal recessive retinitis pigmentosa (PMID: 11527933, 19933189, 29425069, 30027431, 33681214). Therefore, variants that disrupt this region are expected to be disease-causing. For these reasons, this variant has been classified as Pathogenic.

3billion
Classification: Likely pathogenic for Retinitis pigmentosa 1. Last evaluated: 2022-01-03. Review status: criteria provided, single submitter. Criteria: ACMG Guidelines, 2015. Collection method: clinical testing. Allele origin: germline. Affected: yes. Observed: 1 homozygote.
Comment: Frameshift: predicted to result in a loss or disruption of normal protein function through protein truncation. Multiple pathogenic variants are reported in the predicted truncated region (PVS1_S). It is not observed in the gnomAD v2.1.1 dataset (PM2_M). Therefore, this variant is classified as likely pathogenic according to the recommendation of ACMG/AMP guideline.

Literature cited by the submitters: PubMed 11527933 (cited by Labcorp Genetics (formerly Invitae), Labcorp); PubMed 19933189 (cited by Labcorp Genetics (formerly Invitae), Labcorp); PubMed 29425069 (cited by Labcorp Genetics (formerly Invitae), Labcorp); PubMed 30027431 (cited by Labcorp Genetics (formerly Invitae), Labcorp); PubMed 33681214 (cited by Labcorp Genetics (formerly Invitae), Labcorp).

NM_006269.2(RP1):c.2015dup (p.Lys673fs)

Gene: RP1 (RP1 axonemal microtubule associated; plus strand). Cytogenetic location: 8q12.1.
Variant type: Duplication.
Coding change: c.2015dup on transcript NM_006269.2 (MANE Select); coding-DNA position 2015, one base duplicated (A; older notation c.2015dupA).
Protein change: p.Lys673fs; shifts the reading frame from lysine 673.
Molecular consequence: frameshift variant. On other transcripts: intron variant (1).
Genome position (GRCh38, 1-based): chr8:54,625,897, A duplicated; the last of 5 consecutive A bases (chr8:54,625,893-54,625,897); duplicating any one gives the same sequence. VCF-style (leftmost placement, unchanged base first): chr8-54625892-C-CA. GRCh37 (hg19) VCF-style: chr8-55538452-C-CA.
Other names: c.787+3609dup (NM_001375654.1); short protein forms K673fs.
Identifiers: ClinVar variation 1333517 (VCV001333517.7), dbSNP rs2129316376, ClinGen allele CA2573053024.
Genomic context (GRCh38, chr8:54,625,892, plus strand): 5'-TCAGTGTGGTTTAACAAAACTTCCAAAAAATGAAAAGAAGATTTTGTCATCTGTTGCCAG[C>CA]AAAAAGAAGAAAAAATCTCGACAGCAAGCAATAAATTCCAGGTATCAAGATGGACAGCTT-3'